The following is an entry in ClinVar:

ClinVar aggregate classification (germline): Pathogenic. Review status: criteria provided, multiple submitters, no conflicts (2 of 4 stars). 6 submissions from 5 submitters: Pathogenic (5). 1 of the submissions does not count toward it. Last evaluated 2025-09-30.

Conditions:
Retinal dystrophy. Also called: Inherited retinal dystrophy. Identifiers: Orphanet 71862, MedGen C0854723, MeSH D058499, MONDO:0019118, HP:0000556.
Stargardt disease (FFM). Also called: Stargardt's disease; Fundus flavimaculatus. Identifiers: Orphanet 827, MedGen C0271093, MONDO:0019353.
Patterned dystrophy of the retinal pigment epithelium (MDPT1). Identifiers: Orphanet 63454, MedGen C1868569, MONDO:0018973.
PRPH2-related disorder. Also called: PRPH2-related condition; PRPH2-related disorders. Identifiers: MedGen CN239395.

Submissions (6):

Labcorp Genetics (formerly Invitae), Labcorp
Classification: Pathogenic for PRPH2-related disorder. Last evaluated: 2025-09-30. Review status: criteria provided, single submitter. Criteria: Invitae Variant Classification Sherloc (09022015). Collection method: clinical testing. Allele origin: germline.
Comment: This sequence change creates a premature translational stop signal (p.Tyr236*) in the PRPH2 gene. It is expected to result in an absent or disrupted protein product. Loss-of-function variants in PRPH2 are known to be pathogenic (PMID: 8111389, 8485575, 8485576, 8675410, 16916875, 17504850, 22863181, 25675413, 26061163, 27365499, 29555955, 33546218). This variant is not present in population databases (gnomAD no frequency). This premature translational stop signal has been observed in individual(s) with macular and/or pattern dystrophy (PMID: 22863181, 25082885). ClinVar contains an entry for this variant (Variation ID: 866925). For these reasons, this variant has been classified as Pathogenic.

Dept Of Ophthalmology, Nagoya University
Classification: Pathogenic for Retinal dystrophy. Last evaluated: 2023-10-01. Review status: criteria provided, single submitter. Criteria: Submitter's publication. Collection method: research. Allele origin: germline. Affected: yes.

Blueprint Genetics
Classification: Pathogenic for PRPH2-related disorders. Last evaluated: 2020-04-13. Review status: criteria provided, single submitter. Criteria: ACMG Guidelines, 2015. Collection method: clinical testing. Allele origin: germline. Affected: yes. Observed: 2 variant alleles.

NEI Ophthalmic Genomics Laboratory, National Institutes of Health
Classification: Pathogenic for Patterned dystrophy of the retinal pigment epithelium. Last evaluated: 2020-01-07. Review status: criteria provided, single submitter. Criteria: ACMG Guidelines, 2015. Collection method: clinical testing. Allele origin: germline. Affected: yes.
Comment: The variant NM_000322.4:c.708C>G in the PRPH2 gene has been previously studied(PMIDs 25082885, 22863181). We found this variant in 3 patient(s) in a PRPH2 cohort study (Reeves et al. 2020). This variant is listed in dbSNP and/or HGMD (CM127071). It is absent in gnomAD browser. It is enriched in the PRPH2 disease cohort. We invoked ACMG criteria [PVS1, PS4, PM2] and classified NM_000322.4:c.708C>G in the PRPH2 gene as a Pathogenic mutation.

NEI Ophthalmic Genomics Laboratory, National Institutes of Health
Classification: Pathogenic for Stargardt disease. Last evaluated: 2020-01-07. Review status: criteria provided, single submitter. Criteria: ACMG Guidelines, 2015. Collection method: clinical testing. Allele origin: germline. Affected: yes.
Comment: the same text as in the submission from NEI Ophthalmic Genomics Laboratory, National Institutes of Health above.

Leiden Open Variation Database
Classification: Pathogenic. Last evaluated: 2021-04-06. Review status: no assertion criteria provided. Collection method: curation. Allele origin: germline. Affected: yes. Not counted in ClinVar's aggregate classification.
Comment: Curator: Global Variome, with Curator vacancy. Submitters to LOVD: Manon Peeters, Yoshito Koyanagi.

Literature cited by the submitters: PubMed 8111389 (cited by Labcorp Genetics (formerly Invitae), Labcorp); PubMed 8485575 (cited by Labcorp Genetics (formerly Invitae), Labcorp); PubMed 8485576 (cited by Labcorp Genetics (formerly Invitae), Labcorp); PubMed 8675410 (cited by Labcorp Genetics (formerly Invitae), Labcorp); PubMed 16916875 (cited by Labcorp Genetics (formerly Invitae), Labcorp); PubMed 17504850 (cited by Labcorp Genetics (formerly Invitae), Labcorp); PubMed 22863181 (cited by Labcorp Genetics (formerly Invitae), Labcorp and Leiden Open Variation Database); PubMed 25675413 (cited by Labcorp Genetics (formerly Invitae), Labcorp); PubMed 26061163 (cited by Labcorp Genetics (formerly Invitae), Labcorp); PubMed 27365499 (cited by Labcorp Genetics (formerly Invitae), Labcorp); PubMed 29555955 (cited by Labcorp Genetics (formerly Invitae), Labcorp); PubMed 33546218 (cited by Labcorp Genetics (formerly Invitae), Labcorp); PubMed 25082885 (cited by Labcorp Genetics (formerly Invitae), Labcorp and Leiden Open Variation Database); PubMed 31213501 (cited by Leiden Open Variation Database); PubMed 32531846 (cited by Leiden Open Variation Database).

NM_000322.5(PRPH2):c.708C>G (p.Tyr236Ter)

Gene: PRPH2 (peripherin 2; minus strand). Cytogenetic location: 6p21.1.
Variant type: single nucleotide variant.
Coding change: c.708C>G on transcript NM_000322.5 (MANE Select); coding-DNA position 708, C replaced by G.
Protein change: p.Tyr236Ter; replaces tyrosine 236 with a stop codon.
Molecular consequence: nonsense.
Genome position (GRCh38, 1-based): chr6:42,704,485, G>C on the plus strand (C>G on the coding strand, the complement: PRPH2 is on the minus strand). VCF-style: chr6-42704485-G-C. GRCh37 (hg19) VCF-style: chr6-42672223-G-C.
Other names: short protein forms Y236*.
Identifiers: ClinVar variation 866925 (VCV000866925.14), dbSNP rs61755813, ClinGen allele CA364135198.